The following is an entry in ClinVar:

ClinVar aggregate classification (germline): Uncertain significance (1 of 4 stars; one submission).

Conditions:
Early-infantile DEE. Also called: Early infantile epileptic encephalopathy; Early infantile epileptic encephalopathy with suppression bursts; Ohtahara syndrome. Identifiers: Orphanet 1934, MedGen C0393706, MONDO:0800491.

Allele frequency attached by ClinVar (database versions not stated): gnomAD 0.00001.
gnomAD v4.1: 1 of 151,500 alleles (0.00066%); highest among the groups gnomAD compares: East Asian, 0.019%; no homozygotes.

Submission:

Labcorp Genetics (formerly Invitae), Labcorp
Classification: Uncertain significance for Early-infantile DEE. Last evaluated: 2025-07-31. Review status: criteria provided, single submitter. Criteria: Invitae Variant Classification Sherloc (09022015). Collection method: clinical testing. Allele origin: germline.
Comment: This sequence change falls in intron 20 of the SCN1A gene. It does not directly change the encoded amino acid sequence of the SCN1A protein. However, this sequence change falls within a region encompassing a cryptic exon in the SCN1A gene, in which variants have been shown to alter splicing (PMID: 30526861, 34107977). This variant is not present in population databases (gnomAD no frequency). This variant has been observed in individuals with clinical features of developmental and epileptic encephalopathy (internal data). ClinVar contains an entry for this variant (Variation ID: 1635173). Algorithms developed to predict the effect of sequence changes on RNA splicing suggest that this variant is not likely to affect RNA splicing. In summary, the available evidence is currently insufficient to determine the role of this variant in disease. Therefore, it has been classified as a Variant of Uncertain Significance.

Literature cited by the submitters: PubMed 30526861; PubMed 34107977.

NM_001165963.4(SCN1A):c.4002+2097T>C

Genes: SCN1A (sodium voltage-gated channel alpha subunit 1; minus strand), LOC102724058 (uncharacterized LOC102724058; plus strand). Cytogenetic location: 2q24.3.
Variant type: single nucleotide variant.
Coding change: c.4002+2097T>C on transcript NM_001165963.4 (MANE Select); 2097 bases into the intron after coding-DNA position 4002, T replaced by C.
Molecular consequence: intron variant.
Genome position (GRCh38, 1-based): chr2:166,007,622, A>G on the plus strand (T>C on the coding strand, the complement: SCN1A is on the minus strand). VCF-style: chr2-166007622-A-G. GRCh37 (hg19) VCF-style: chr2-166864132-A-G.
Other names: c.3969+2097T>C (NM_001353949.2, NM_001353950.2, NM_001353951.2 and 2 more transcripts); c.3918+2097T>C (NM_001353958.2, NM_001353957.2, NM_001165964.3); c.4002+2097T>C (NM_001202435.3, NM_001353948.2); c.3966+2097T>C (NM_001353955.2, NM_001353954.2); c.3915+2097T>C (NM_001353960.2); c.1560+2097T>C (NM_001353961.2).
Identifiers: ClinVar variation 1635173 (VCV001635173.9), dbSNP rs2105550019, ClinGen allele CA2573133069.